The following is an entry in ClinVar:

ClinVar aggregate classification (germline): Uncertain significance. Review status: criteria provided, multiple submitters, no conflicts (2 of 4 stars). 2 submissions from 2 submitters: Uncertain significance (2). Last evaluated 2023-02-28.

Allele frequency attached by ClinVar (database versions not stated): gnomAD exomes below 0.00001; TOPMed 0.00001.
gnomAD v4.1: 2 of 1,608,466 alleles (0.00012%); highest among the groups gnomAD compares: Admixed American, 0.0017%; no homozygotes.

Submissions (2):

Ambry Genetics
Classification: Uncertain significance. Last evaluated: 2023-02-28. Review status: criteria provided, single submitter. Criteria: Ambry Variant Classification Scheme 2023. Collection method: clinical testing. Allele origin: germline.

Labcorp Genetics (formerly Invitae), Labcorp
Classification: Uncertain significance. Last evaluated: 2021-09-29. Review status: criteria provided, single submitter. Criteria: Invitae Variant Classification Sherloc (09022015). Collection method: clinical testing. Allele origin: germline.
Comment: In summary, the available evidence is currently insufficient to determine the role of this variant in disease. Therefore, it has been classified as a Variant of Uncertain Significance. Algorithms developed to predict the effect of missense changes on protein structure and function are either unavailable or do not agree on the potential impact of this missense change (SIFT: "Deleterious"; PolyPhen-2: "Benign"; Align-GVGD: "Class C35"). This variant has not been reported in the literature in individuals affected with LRRCC1-related conditions. This variant is not present in population databases (ExAC no frequency). This sequence change replaces lysine with asparagine at codon 407 of the LRRCC1 protein (p.Lys407Asn). The lysine residue is highly conserved and there is a moderate physicochemical difference between lysine and asparagine.

NM_033402.5(LRRCC1):c.1221G>T (p.Lys407Asn)

Gene: LRRCC1 (leucine rich repeat and coiled-coil centrosomal protein 1; plus strand). Cytogenetic location: 8q21.2.
Variant type: single nucleotide variant.
Coding change: c.1221G>T on transcript NM_033402.5 (MANE Select); coding-DNA position 1221, G replaced by T.
Protein change: p.Lys407Asn; replaces lysine 407 with asparagine.
Molecular consequence: missense variant.
Genome position (GRCh38, 1-based): chr8:85,124,888, G>T. VCF-style: chr8-85124888-G-T. GRCh37 (hg19) VCF-style: chr8-86037123-G-T.
Other names: c.1221G>T (NM_033402.4); c.942G>T, p.Lys314Asn (NM_001349636.2); c.795G>T, p.Lys265Asn (NM_001349637.2); c.324G>T, p.Lys108Asn (NM_001349638.2); c.84G>T, p.Lys28Asn (NM_001349639.2); short protein forms K265N, K28N, K314N, K108N, K407N.
Identifiers: ClinVar variation 1434445 (VCV001434445.8), dbSNP rs1809851098, ClinGen allele CA371417902.